The following is an entry in ClinVar:

NM_002615.7(SERPINF1):c.826T>A (p.Phe276Ile)

Gene: SERPINF1 (serpin family F member 1; plus strand). Cytogenetic location: 17p13.3.
Variant type: single nucleotide variant.
Coding change: c.826T>A on transcript NM_002615.7 (MANE Select); coding-DNA position 826, T replaced by A.
Protein change: p.Phe276Ile; replaces phenylalanine 276 with isoleucine.
Molecular consequence: missense variant.
Genome position (GRCh38, 1-based): chr17:1,776,571, T>A. VCF-style: chr17-1776571-T-A. GRCh37 (hg19) VCF-style: chr17-1679865-T-A.
Other names: c.826T>A, p.Phe276Ile (NM_001329903.2); c.265T>A, p.Phe89Ile (NM_001329904.2, NM_001329905.2); short protein forms F89I, F276I.
Identifiers: ClinVar variation 890116 (VCV000890116.8), dbSNP rs145833645, ClinGen allele CA8274872.

ClinVar aggregate classification (germline): Uncertain significance. Review status: criteria provided, multiple submitters, no conflicts (2 of 4 stars). 3 submissions from 3 submitters: Uncertain significance (3). Last evaluated 2024-03-25.

Conditions:
Osteogenesis imperfecta type 6. Also called: Osteogenesis imperfecta, type VI. Identifiers: Orphanet 666, MedGen C3279564, MONDO:0013515, OMIM 613982.

Allele frequency attached by ClinVar (database versions not stated): ESP Exome Variant Server 0.00008; gnomAD 0.00013; 1000 Genomes Project 30x 0.00016; ExAC 0.00016; 1000 Genomes Project 0.00020; TOPMed 0.00022; gnomAD exomes 0.00024.
gnomAD v4.1: 145 of 1,614,050 alleles (0.009%); highest among the groups gnomAD compares: Admixed American, 0.1%; no homozygotes.

Submissions (3):

Women's Health and Genetics/Laboratory Corporation of America, LabCorp
Classification: Uncertain significance. Last evaluated: 2024-03-25. Review status: criteria provided, single submitter. Criteria: LabCorp Variant Classification Summary - May 2015. Collection method: clinical testing. Allele origin: germline.
Comment: Variant summary: SERPINF1 c.826T>A (p.Phe276Ile) results in a non-conservative amino acid change located in the serpin domain (IPR023796) of the encoded protein sequence. Three of five in-silico tools predict a damaging effect of the variant on protein function. The variant allele was found at a frequency of 0.00024 in 251488 control chromosomes (gnomAD). This frequency is not significantly higher than estimated for a pathogenic variant in SERPINF1 causing Osteogenesis Imperfecta (0.00024 vs 0.0011), allowing no conclusion about variant significance. c.826T>A has been reported in the literature in the compound heterozygous state in an individual affected with Osteogenesis Imperfecta (Lin_2024). This report does not provide unequivocal conclusions about association of the variant with Osteogenesis Imperfecta. To our knowledge, no experimental evidence demonstrating an impact on protein function has been reported. The following publication has been ascertained in the context of this evaluation (PMID: 37270749). ClinVar contains an entry for this variant (Variation ID: 890116). Based on the evidence outlined above, the variant was classified as uncertain significance.

Labcorp Genetics (formerly Invitae), Labcorp
Classification: Uncertain significance. Last evaluated: 2022-08-23. Review status: criteria provided, single submitter. Criteria: Invitae Variant Classification Sherloc (09022015). Collection method: clinical testing. Allele origin: germline.
Comment: This sequence change replaces phenylalanine, which is neutral and non-polar, with isoleucine, which is neutral and non-polar, at codon 276 of the SERPINF1 protein (p.Phe276Ile). This variant is present in population databases (rs145833645, gnomAD 0.1%). This variant has not been reported in the literature in individuals affected with SERPINF1-related conditions. ClinVar contains an entry for this variant (Variation ID: 890116). Algorithms developed to predict the effect of missense changes on protein structure and function are either unavailable or do not agree on the potential impact of this missense change (SIFT: "Not Available"; PolyPhen-2: "Possibly Damaging"; Align-GVGD: "Not Available"). In summary, the available evidence is currently insufficient to determine the role of this variant in disease. Therefore, it has been classified as a Variant of Uncertain Significance.

Illumina Laboratory Services, Illumina
Classification: Uncertain significance for Osteogenesis imperfecta type 6. Last evaluated: 2018-01-13. Review status: criteria provided, single submitter. Criteria: ICSL Variant Classification Criteria 13 December 2019. Collection method: clinical testing. Allele origin: germline.

Literature cited by the submitters: PubMed 37270749 (cited by Women's Health and Genetics/Laboratory Corporation of America, LabCorp).